The following is an entry in ClinVar:

ClinVar aggregate classification (germline): Benign (1 of 4 stars; one submission).

Conditions:
Intellectual developmental disorder, autosomal dominant 52. Also called: Intellectual disability, autosomal dominant 52; Mental retardation, autosomal dominant 52. Identifiers: MedGen C4540478, MONDO:0030918, OMIM 617796.

gnomAD v4.1: 4 of 1,614,084 alleles (0.00025%); highest among the groups gnomAD compares: Non-Finnish European, 0.00034%; no homozygotes.

Submission:

Cellular and Molecular Research Center, Cellular and Molecular Medicine Research Institute,, Urmia University of Medical Sciences
Classification: Benign for Intellectual developmental disorder, autosomal dominant 52. Last evaluated: 2026-10-17. Review status: criteria provided, single submitter. Criteria: ACMG Guidelines, 2015. Collection method: clinical testing. Allele origin: germline. Inheritance: Autosomal dominant inheritance. Affected: yes. Observed: 1 variant allele, 1 heterozygote.
Comment: The ASH1L gene encodes a histone methyltransferase that regulates gene expression by modifying histone H3, particularly through methylation of lysine 36 (H3K36). This process is important for normal embryonic development and nervous-system function.The first association between ASH1L and human disease was reported in 2012 in a large exome-sequencing study of individuals with severe intellectual disability. They identified six rare, de novo ASH1L variants in affected individuals. Subsequent reports expanded the phenotype to an autosomal dominant syndromic neurodevelopmental disorder, characterized by developmental delay, intellectual disability, autism spectrum disorder, behavioural difficulties and, in some individuals, congenital abnormalities. The variant c.119A>G is a single-nucleotide substitution in which adenine (A), a purine, is replaced by guanine (G), also a purine. It is therefore a purine-to-purine transition. Since nucleotide 119 is the second base of codon 40, the substitution is expected to produce a missense change, rather than an insertion, deletion or frameshift. However, I could not independently confirm the exact amino-acid substitution for this transcript version. I could not verify a published clinical or functional report specifically documenting c.119A>G. Its pathogenicity cannot therefore be established from the gene–disease association alone; confirmation requires variant-specific evidence, including population frequency, segregation and, where possible, functional studies.

Literature cited by the submitters: PubMed 41291913.

NM_018489.3(ASH1L):c.119A>G (p.Glu40Gly)

Gene: ASH1L (ASH1 like histone lysine methyltransferase; minus strand). Cytogenetic location: 1q22.
Variant type: single nucleotide variant.
Coding change: c.119A>G on transcript NM_018489.3 (MANE Select); coding-DNA position 119, A replaced by G.
Protein change: p.Glu40Gly; replaces glutamic acid 40 with glycine.
Molecular consequence: missense variant.
Genome position (GRCh38, 1-based): chr1:155,521,401, T>C on the plus strand (A>G on the coding strand, the complement: ASH1L is on the minus strand). VCF-style: chr1-155521401-T-C. GRCh37 (hg19) VCF-style: chr1-155491192-T-C.
Other names: c.119A>G, p.Glu40Gly (NM_001366177.2); short protein forms E40G.
Identifiers: ClinVar variation 5042743 (VCV005042743.1).
Genomic context (GRCh38, chr1:155,521,401, plus strand): 5'-GCTTCGATGTTTCTTTCTCGATTCCGTTTGCGAAGGTCCTCTTCCTCCTTTGTGTTTTTT[T>C]CTAGCTCTACTTCTCTCTTACTGACCAATGTGCCAGTACTGATGGCAGAAGGACTCTTTC-3'
Protein context (NP_060959.2, residues 30-50): TLVSKREVEL[Glu40Gly]KNTKEEEDLR